The following is an entry in ClinVar:

ClinVar aggregate classification (germline): Uncertain significance (1 of 4 stars; one submission).

Conditions:
Nephronophthisis 15 (NPHP15). Identifiers: Orphanet 3156, MedGen C3541853, MONDO:0013917, OMIM 614845.

gnomAD v4.1: 1 of 1,537,014 alleles (0.000065%); highest among the groups gnomAD compares: Non-Finnish European, 0.000088%; no homozygotes.

Submission:

Labcorp Genetics (formerly Invitae), Labcorp
Classification: Uncertain significance for Nephronophthisis 15. Last evaluated: 2024-10-07. Review status: criteria provided, single submitter. Criteria: Invitae Variant Classification Sherloc (09022015). Collection method: clinical testing. Allele origin: germline.
Comment: This sequence change replaces aspartic acid, which is acidic and polar, with glycine, which is neutral and non-polar, at codon 513 of the CEP164 protein (p.Asp513Gly). This variant is present in population databases (no rsID available, gnomAD 0.007%). This variant has not been reported in the literature in individuals affected with CEP164-related conditions. An algorithm developed to predict the effect of missense changes on protein structure and function outputs the following: PolyPhen-2: "Benign". The glycine amino acid residue is found in multiple mammalian species, which suggests that this missense change does not adversely affect protein function. In summary, the available evidence is currently insufficient to determine the role of this variant in disease. Therefore, it has been classified as a Variant of Uncertain Significance.

NM_014956.5(CEP164):c.1538A>G (p.Asp513Gly)

Gene: CEP164 (centrosomal protein 164; plus strand). Cytogenetic location: 11q23.3.
Variant type: single nucleotide variant.
Coding change: c.1538A>G on transcript NM_014956.5 (MANE Select); coding-DNA position 1538, A replaced by G.
Protein change: p.Asp513Gly; replaces aspartic acid 513 with glycine.
Molecular consequence: missense variant.
Genome position (GRCh38, 1-based): chr11:117,381,829, A>G. VCF-style: chr11-117381829-A-G. GRCh37 (hg19) VCF-style: chr11-117252545-A-G.
Other names: c.1547A>G, p.Asp516Gly (NM_001271933.2); short protein forms D513G, D516G.
Identifiers: ClinVar variation 3709509 (VCV003709509.2).